The following is an entry in ClinVar:

ClinVar aggregate classification (germline): Likely pathogenic (1 of 4 stars; one submission).

Submission:

Labcorp Genetics (formerly Invitae), Labcorp
Classification: Likely pathogenic. Last evaluated: 2025-07-13. Review status: criteria provided, single submitter. Criteria: Invitae Variant Classification Sherloc (09022015). Collection method: clinical testing. Allele origin: germline.
Comment: This variant results in the deletion of part of exon 12 (c.1714-5_1732del) of the HPS4 gene. It is expected to disrupt RNA splicing. Variants that disrupt the donor or acceptor splice site typically lead to a loss of protein function (PMID: 16199547), and loss-of-function variants in HPS4 are known to be pathogenic (PMID: 12664304). This variant is not present in population databases (gnomAD no frequency). This variant has not been reported in the literature in individuals affected with HPS4-related conditions. In summary, the currently available evidence indicates that the variant is pathogenic, but additional data are needed to prove that conclusively. Therefore, this variant has been classified as Likely Pathogenic.

Literature cited by the submitters: PubMed 16199547; PubMed 12664304.

NM_022081.6(HPS4):c.1714-5_1732del

Gene: HPS4 (HPS4 biogenesis of lysosomal organelles complex 3 subunit 2; minus strand). Cytogenetic location: 22q12.1.
Variant type: Deletion.
Coding change: c.1714-5_1732del on transcript NM_022081.6 (MANE Select); 5 bases into the intron before coding-DNA position 1714 through coding-DNA position 1732, 24 bases deleted (TGCAGTACCACAGCAGCCTGGCTT).
Molecular consequence: splice acceptor variant. On other transcripts: intron variant (2).
Genome position (GRCh38, 1-based): chr22:26,458,559-26,458,582, AAGCCAGGCTGCTGTGGTACTGCA deleted on the plus strand (TGCAGTACCACAGCAGCCTGGCTT on the coding strand, the reverse complement: HPS4 is on the minus strand); deleting any 24 consecutive bases within chr22:26,458,559-26,458,585 gives the same sequence; the c. name uses the placement nearest the transcript's 3' end. VCF-style (leftmost placement, unchanged base first): chr22-26458558-GAAGCCAGGCTGCTGTGGTACTGCA-G. GRCh37 (hg19) VCF-style: chr22-26854524-GAAGCCAGGCTGCTGTGGTACTGCA-G.
Other names: c.1714-5_1732del (NM_001349905.1, NM_001349904.2, NM_001349896.1 and 3 more transcripts); c.1714-5178_1714-5155del (NM_001349902.1, NM_001349903.2); c.1768-5_1786del (NM_001349901.1, NM_001349900.2); c.1699-5_1717del (NM_152841.2).
Identifiers: ClinVar variation 4723082 (VCV004723082.1).